The following is an entry in ClinVar:

ClinVar aggregate classification (germline): Uncertain significance (1 of 4 stars; one submission).

Submission:

GeneDx
Classification: Uncertain significance. Last evaluated: 2023-07-20. Review status: criteria provided, single submitter. Criteria: GeneDx Variant Classification Process June 2021. Collection method: clinical testing. Allele origin: germline. Affected: yes.
Comment: Not observed at significant frequency in large population cohorts (gnomAD); In silico analysis supports that this missense variant has a deleterious effect on protein structure/function; Has not been previously published as pathogenic or benign to our knowledge

NM_000180.4(GUCY2D):c.960C>A (p.Ser320Arg)

Gene: GUCY2D (guanylate cyclase 2D, retinal; plus strand). Cytogenetic location: 17p13.1.
Variant type: single nucleotide variant.
Coding change: c.960C>A on transcript NM_000180.4 (MANE Select); coding-DNA position 960, C replaced by A.
Protein change: p.Ser320Arg; replaces serine 320 with arginine.
Molecular consequence: missense variant.
Genome position (GRCh38, 1-based): chr17:8,004,090, C>A. VCF-style: chr17-8004090-C-A. GRCh37 (hg19) VCF-style: chr17-7907408-C-A.
Other names: short protein forms S320R.
Identifiers: ClinVar variation 3361414 (VCV003361414.1).
Genomic context (GRCh38, chr17:8,004,090, plus strand): 5'-GCTTCGCAGGGCCCACGATGCCGTGCTCACCCTCACGCGCCACTGTCCCTCTGAAGGCAG[C>A]GTGCTGGACAGCCTGCGCAGGGCTCAAGAGCGCCGCGAGCTGCCCTCTGACCTCAATCTG-3'
Protein context (NP_000171.1, residues 310-330): TLTRHCPSEG[Ser320Arg]VLDSLRRAQE